The following is an entry in ClinVar:

ClinVar aggregate classification (germline): Uncertain significance (1 of 4 stars; one submission).

Conditions:
Cardiovascular phenotype. Identifiers: MedGen CN230736.

Submission:

Ambry Genetics
Classification: Uncertain significance for Cardiovascular phenotype. Last evaluated: 2024-08-16. Review status: criteria provided, single submitter. Criteria: Ambry Variant Classification Scheme 2023. Collection method: clinical testing. Allele origin: germline.
Comment: The p.D501N variant (also known as c.1501G>A), located in coding exon 6 of the PKP2 gene, results from a G to A substitution at nucleotide position 1501. The aspartic acid at codon 501 is replaced by asparagine, an amino acid with highly similar properties. This amino acid position is conserved. In addition, this alteration is predicted to be tolerated by in silico analysis. Based on the available evidence, the clinical significance of this variant remains unclear.

NM_001005242.3(PKP2):c.1379-1986G>A

Gene: PKP2 (plakophilin 2; minus strand). Cytogenetic location: 12p11.21.
Variant type: single nucleotide variant.
Coding change: c.1379-1986G>A on transcript NM_001005242.3 (MANE Select); 1986 bases into the intron before coding-DNA position 1379, G replaced by A.
Molecular consequence: intron variant. On other transcripts: missense variant (2).
Genome position (GRCh38, 1-based): chr12:32,843,191, C>T on the plus strand (G>A on the coding strand, the complement: PKP2 is on the minus strand). VCF-style: chr12-32843191-C-T. GRCh37 (hg19) VCF-style: chr12-32996125-C-T.
Other names: c.1501G>A, p.Asp501Asn (NM_001407157.1, NM_004572.4); c.1379-1986G>A (NM_001407156.1, NM_001407155.1, NM_001407161.1); c.1052-1986G>A (NM_001407160.1, NM_001407159.1, NM_001407158.1 and 1 more transcripts); short protein forms D501N.
Identifiers: ClinVar variation 3419518 (VCV003419518.1).